The following is an entry in ClinVar:

NM_001287491.2(TET3):c.1139C>T (p.Ala380Val)

Gene: TET3 (tet methylcytosine dioxygenase 3; plus strand). Cytogenetic location: 2p13.1.
Variant type: single nucleotide variant.
Coding change: c.1139C>T on transcript NM_001287491.2 (MANE Select); coding-DNA position 1139, C replaced by T.
Protein change: p.Ala380Val; replaces alanine 380 with valine.
Molecular consequence: missense variant.
Genome position (GRCh38, 1-based): chr2:74,047,056, C>T. VCF-style: chr2-74047056-C-T. GRCh37 (hg19) VCF-style: chr2-74274183-C-T.
Other names: c.860C>T, p.Ala287Val (NM_001366022.1); c.734C>T, p.Ala245Val (NM_144993.1); short protein forms A245V, A287V, A380V.
Identifiers: ClinVar variation 3234966 (VCV003234966.1), dbSNP rs1687667022, ClinGen allele CA347327066.
Genomic context (GRCh38, chr2:74,047,056, plus strand): 5'-TTGAGGCCCTCACACAGCTCTCCTCTGCCCTCCCGCAGCCTTCTCATTCCACCCCCCAGG[C>T]TTCTTGCCCCCTTCCTGAGGCCTTGTCACCTCCTGCCCCTTTCAGATCTCCCCAGTCTTA-3'
Protein context (NP_001274420.1, residues 370-390): LPQPSHSTPQ[Ala380Val]SCPLPEALSP

ClinVar aggregate classification (germline): Uncertain significance (1 of 4 stars; one submission).

Conditions:
Beck-Fahrner syndrome (BEFAHRS). Identifiers: Orphanet 684216, MedGen C5394097, MONDO:0032922, OMIM 618798.

Submission:

Neuberg Centre For Genomic Medicine, NCGM
Classification: Uncertain significance for Beck-Fahrner syndrome. Review status: criteria provided, single submitter. Criteria: ACMG Guidelines, 2015. Collection method: clinical testing. Allele origin: germline. Inheritance: Autosomal dominant inheritance. Affected: yes.
Comment: The missense c.1139C>Tp.Ala380Val variant in TET3 gene has not been reported previously as a pathogenic variant nor as a benign variant, to our knowledge. This variant is novel not in any individuals in gnomAD Exomes and 1000 Genomes. The amino acid Ala at position 380 is changed to a Val changing protein sequence and it might alter its composition and physico-chemical properties. The amino acid change p.Ala380Val in TET3 is predicted as conserved by GERP++ and PhyloP across 100 vertebrates. For these reasons, this variant has been classified as Uncertain Significance.